The following is an entry in ClinVar:

NM_001205019.2(GK):c.382A>G (p.Lys128Glu)

Gene: GK (glycerol kinase; plus strand). Cytogenetic location: Xp21.2.
Variant type: single nucleotide variant.
Coding change: c.382A>G on transcript NM_001205019.2 (MANE Select); coding-DNA position 382, A replaced by G.
Protein change: p.Lys128Glu; replaces lysine 128 with glutamic acid.
Molecular consequence: missense variant. On other transcripts: non-coding transcript variant (7).
Genome position (GRCh38, 1-based): chrX:30,691,167, A>G. VCF-style: chrX-30691167-A-G. GRCh37 (hg19) VCF-style: chrX-30709284-A-G.
Other names: c.382A>G, p.Lys128Glu (NM_000167.6, NM_001128127.3, NM_203391.4); c.466A>G, p.Lys156Glu (NM_001399987.1); short protein forms K128E, K156E.
Identifiers: ClinVar variation 1697137 (VCV001697137.2), dbSNP rs2147193380, ClinGen allele CA412637280.
Genomic context (GRCh38, chrX:30,691,167, plus strand): 5'-TTATTTTGGTCTATAGTGTGGCTTGATCTAAGAACCCAGTCTACCGTTGAGAGTCTTAGT[A>G]AAAGAATTCCAGGAAATAATAACTTTGTCAAGGTAAGAATTTCTTCAGAAGTATACTATA-3'
Protein context (NP_001191948.1, residues 118-138): RTQSTVESLS[Lys128Glu]RIPGNNNFVK

ClinVar aggregate classification (germline): Uncertain significance (1 of 4 stars; one submission).

Submission:

GeneDx
Classification: Uncertain significance. Last evaluated: 2022-01-14. Review status: criteria provided, single submitter. Criteria: GeneDx Variant Classification Process June 2021. Collection method: clinical testing. Allele origin: germline. Affected: yes.
Comment: Not observed at significant frequency in large population cohorts (gnomAD); In silico analysis supports that this missense variant does not alter protein structure/function; Has not been previously published as pathogenic or benign to our knowledge